The following is an entry in ClinVar:

NM_004370.6(COL12A1):c.2340G>T (p.Glu780Asp)

Gene: COL12A1 (collagen type XII alpha 1 chain; minus strand). Cytogenetic location: 6q13.
Variant type: single nucleotide variant.
Coding change: c.2340G>T on transcript NM_004370.6 (MANE Select); coding-DNA position 2340, G replaced by T.
Protein change: p.Glu780Asp; replaces glutamic acid 780 with aspartic acid.
Molecular consequence: missense variant. On other transcripts: intron variant (1).
Genome position (GRCh38, 1-based): chr6:75,177,760, C>A on the plus strand (G>T on the coding strand, the complement: COL12A1 is on the minus strand). VCF-style: chr6-75177760-C-A. GRCh37 (hg19) VCF-style: chr6-75887476-C-A.
Other names: c.73+24960G>T (NM_080645.3); c.2340G>T (NM_004370.5); short protein forms E780D.
Identifiers: ClinVar variation 1440953 (VCV001440953.11), dbSNP rs931765391, ClinGen allele CA141025066.
Genomic context (GRCh38, chr6:75,177,760, plus strand): 5'-AGGTCCTGAGAAATATTCAGGAATTACAGATACTTCATATTTCGTGTCTGGAATCAAGTT[C>A]TCCAGTGTTCTCCTCCTCTGATTGGGTGGGGTGGTAACTTCTCTGCTCTCTCCACCAGCA-3'
Protein context (NP_004361.3, residues 770-790): TPPNQRRRTL[Glu780Asp]NLIPDTKYEV

ClinVar aggregate classification (germline): Uncertain significance. Review status: criteria provided, multiple submitters, no conflicts (2 of 4 stars). 2 submissions from 2 submitters: Uncertain significance (2). Last evaluated 2025-06-03.

Conditions:
Inborn genetic diseases. Identifiers: MedGen C0950123, MeSH D030342.
Ullrich congenital muscular dystrophy 2 (UCMD2). Identifiers: Orphanet 75840, MedGen C4225314, MONDO:0014654, OMIM 616470.
Bethlem myopathy 2 (BTHLM2). Identifiers: Orphanet 536516, Orphanet 610, MedGen C4225313, MONDO:0034022, OMIM 616471.

Allele frequency attached by ClinVar (database versions not stated): gnomAD exomes below 0.00001; gnomAD 0.00001; TOPMed 0.00002.
gnomAD v4.1: 3 of 1,613,984 alleles (0.00019%); highest among the groups gnomAD compares: African/African-American, 0.004%; no homozygotes.

Submissions (2):

Ambry Genetics
Classification: Uncertain significance for Inborn genetic diseases. Last evaluated: 2025-06-03. Review status: criteria provided, single submitter. Criteria: Ambry Variant Classification Scheme 2023. Collection method: clinical testing. Allele origin: germline.

Labcorp Genetics (formerly Invitae), Labcorp
Classification: Uncertain significance for Bethlem myopathy 2; Ullrich congenital muscular dystrophy 2. Last evaluated: 2022-07-05. Review status: criteria provided, single submitter. Criteria: Invitae Variant Classification Sherloc (09022015). Collection method: clinical testing. Allele origin: germline.
Comment: This variant is not present in population databases (gnomAD no frequency). In summary, the available evidence is currently insufficient to determine the role of this variant in disease. Therefore, it has been classified as a Variant of Uncertain Significance. Algorithms developed to predict the effect of missense changes on protein structure and function output the following: SIFT: "Tolerated"; PolyPhen-2: "Benign"; Align-GVGD: "Class C0". The aspartic acid amino acid residue is found in multiple mammalian species, which suggests that this missense change does not adversely affect protein function. ClinVar contains an entry for this variant (Variation ID: 1440953). This variant has not been reported in the literature in individuals affected with COL12A1-related conditions. This sequence change replaces glutamic acid, which is acidic and polar, with aspartic acid, which is acidic and polar, at codon 780 of the COL12A1 protein (p.Glu780Asp).